The following is an entry in ClinVar:

NM_001384732.1(CPLANE1):c.6162A>T (p.Lys2054Asn)

Gene: CPLANE1 (ciliogenesis and planar polarity effector complex subunit 1; minus strand). Cytogenetic location: 5p13.2.
Variant type: single nucleotide variant.
Coding change: c.6162A>T on transcript NM_001384732.1 (MANE Select); coding-DNA position 6162, A replaced by T.
Protein change: p.Lys2054Asn; replaces lysine 2054 with asparagine.
Molecular consequence: missense variant.
Genome position (GRCh38, 1-based): chr5:37,173,764, T>A on the plus strand (A>T on the coding strand, the complement: CPLANE1 is on the minus strand). VCF-style: chr5-37173764-T-A. GRCh37 (hg19) VCF-style: chr5-37173866-T-A.
Other names: c.6162A>T, p.Lys2054Asn (NM_023073.4); short protein forms K2054N.
Identifiers: ClinVar variation 2158632 (VCV002158632.4), dbSNP rs1780428216, ClinGen allele CA359484688.

ClinVar aggregate classification (germline): Uncertain significance (1 of 4 stars; one submission).

Allele frequency attached by ClinVar (database versions not stated): gnomAD 0.00001; TOPMed 0.00001.
gnomAD v4.1: 2 of 1,614,050 alleles (0.00012%); highest among the groups gnomAD compares: Non-Finnish European, 0.00017%; no homozygotes.

Submission:

Labcorp Genetics (formerly Invitae), Labcorp
Classification: Uncertain significance. Last evaluated: 2022-06-09. Review status: criteria provided, single submitter. Criteria: Invitae Variant Classification Sherloc (09022015). Collection method: clinical testing. Allele origin: germline.
Comment: In summary, the available evidence is currently insufficient to determine the role of this variant in disease. Therefore, it has been classified as a Variant of Uncertain Significance. Advanced modeling of protein sequence and biophysical properties (such as structural, functional, and spatial information, amino acid conservation, physicochemical variation, residue mobility, and thermodynamic stability) performed at Invitae indicates that this missense variant is not expected to disrupt CPLANE1 protein function. This variant has not been reported in the literature in individuals affected with CPLANE1-related conditions. This variant is not present in population databases (gnomAD no frequency). This sequence change replaces lysine, which is basic and polar, with asparagine, which is neutral and polar, at codon 2054 of the CPLANE1 protein (p.Lys2054Asn).